The following is an entry in ClinVar:

ClinVar aggregate classification (germline): Uncertain significance (1 of 4 stars; one submission).

Conditions:
Hereditary cancer-predisposing syndrome. Also called: Tumor predisposition; Hereditary Cancer Syndrome; Hereditary neoplastic syndrome; Neoplastic Syndromes, Hereditary. Identifiers: Orphanet 140162, MedGen C0027672, MeSH D009386, MONDO:0015356.

Submission:

Ambry Genetics
Classification: Uncertain significance for Hereditary cancer-predisposing syndrome. Last evaluated: 2024-06-15. Review status: criteria provided, single submitter. Criteria: Ambry Variant Classification Scheme 2023. Collection method: clinical testing. Allele origin: germline.
Comment: The p.S1220F variant (also known as c.3659C>T), located in coding exon 24 of the ALK gene, results from a C to T substitution at nucleotide position 3659. The serine at codon 1220 is replaced by phenylalanine, an amino acid with highly dissimilar properties. This amino acid position is conserved. In addition, the in silico prediction for this alteration is inconclusive. Based on the available evidence, the clinical significance of this variant remains unclear.

NM_004304.5(ALK):c.3659C>T (p.Ser1220Phe)

Gene: ALK (ALK receptor tyrosine kinase; minus strand). Cytogenetic location: 2p23.2.
Variant type: single nucleotide variant.
Coding change: c.3659C>T on transcript NM_004304.5 (MANE Select); coding-DNA position 3659, C replaced by T.
Protein change: p.Ser1220Phe; replaces serine 1220 with phenylalanine.
Molecular consequence: missense variant.
Genome position (GRCh38, 1-based): chr2:29,214,068, G>A on the plus strand (C>T on the coding strand, the complement: ALK is on the minus strand). VCF-style: chr2-29214068-G-A. GRCh37 (hg19) VCF-style: chr2-29436934-G-A.
Other names: c.455C>T, p.Ser152Phe (NM_001353765.2); short protein forms S1220F, S152F.
Identifiers: ClinVar variation 3286512 (VCV003286512.1).